The following is an entry in ClinVar:

NM_007294.4(BRCA1):c.285T>C (p.Leu95=)

Gene: BRCA1 (BRCA1 DNA repair associated; minus strand). Cytogenetic location: 17q21.31.
Variant type: single nucleotide variant.
Coding change: c.285T>C on transcript NM_007294.4 (MANE Select); coding-DNA position 285, T replaced by C.
Protein change: p.Leu95=; no amino-acid change (leucine 95 retained).
Molecular consequence: synonymous variant. On other transcripts: 5 prime UTR variant (7), intron variant (2).
Genome position (GRCh38, 1-based): chr17:43,104,884, A>G on the plus strand (T>C on the coding strand, the complement: BRCA1 is on the minus strand). VCF-style: chr17-43104884-A-G. GRCh37 (hg19) VCF-style: chr17-41256901-A-G.
Other names: c.207T>C, p.Leu69= (NM_001408413.1, NM_001408414.1, NM_001408415.1 and 21 more transcripts); c.285T>C, p.Leu95= (NM_001408418.1, NM_001408419.1, NM_001408420.1 and 168 more transcripts); c.153T>C, p.Leu51= (NM_001408451.1); c.144T>C, p.Leu48= (NM_001408452.1, NM_001408453.1, NM_001408454.1 and 99 more transcripts); c.75T>C, p.Leu25= (NM_001408478.1, NM_001408479.1, NM_001408480.1 and 58 more transcripts); c.-97T>C (NM_001408510.1, NM_001408512.1, NM_001407959.1 and 4 more transcripts); c.-218-10024T>C (NM_001407967.1, NM_001407966.1).
Identifiers: ClinVar variation 868353 (VCV000868353.3), dbSNP rs2054674739, ClinGen allele CA500127484.
Genomic context (GRCh38, chr17:43,104,884, plus strand): 5'-ATGGACAGCACTTGAGTGTCATTCTTGGGATATTCAACACTTACACTCCAAACCTGTGTC[A>G]AGCTGAAAAGCACAAATGATTTTCAATAGCTCTTCAACAAGTTGACTAAATCTCGTACTT-3'
Protein context (NP_009225.1, residues 85-105): ELLKIICAFQ[Leu95=]DTGLEYANSY

Conditions:
Breast-ovarian cancer, familial, susceptibility to, 1 (BROVCA1). Also called: BRCA1 Hereditary Breast and Ovarian Cancer; OVARIAN CANCER, SUSCEPTIBILITY TO. Identifiers: Orphanet 145, MedGen C2676676, MONDO:0011450, OMIM 604370. Disease mechanism: loss of function.

Allele frequency attached by ClinVar (database versions not stated): gnomAD exomes below 0.00001.
gnomAD v4.1: 1 of 1,613,896 alleles (0.000062%); highest among the groups gnomAD compares: Non-Finnish European, 0.000085%; no homozygotes.

Submission:

Brotman Baty Institute, University of Washington
No classification provided (evidence only). Condition: Breast-ovarian cancer, familial 1. Review status: no classification provided. Collection method: in vitro. Allele origin: not applicable. Functional consequence: functionally_normal.
ClinVar note: "not provided" was previously submitted as the classification for the variant. However, the classification appeared to be based only on an observation of functional data so it was converted to no classification on 2025-07-30.